The following is an entry in ClinVar:

NM_212482.4(FN1):c.2750A>C (p.Glu917Ala)

Gene: FN1 (fibronectin 1; minus strand). Cytogenetic location: 2q35.
Variant type: single nucleotide variant.
Coding change: c.2750A>C on transcript NM_212482.4 (MANE Select); coding-DNA position 2750, A replaced by C.
Protein change: p.Glu917Ala; replaces glutamic acid 917 with alanine.
Molecular consequence: missense variant.
Genome position (GRCh38, 1-based): chr2:215,406,474, T>G on the plus strand (A>C on the coding strand, the complement: FN1 is on the minus strand). VCF-style: chr2-215406474-T-G. GRCh37 (hg19) VCF-style: chr2-216271197-T-G.
Other names: c.2750A>C, p.Glu917Ala (NM_001306129.2, NM_001306130.2, NM_001306131.2 and 13 more transcripts); short protein forms E917A.
Identifiers: ClinVar variation 2236480 (VCV002236480.3), dbSNP rs376886452, ClinGen allele CA2094882.

ClinVar aggregate classification (germline): Uncertain significance. Review status: criteria provided, multiple submitters, no conflicts (2 of 4 stars). 2 submissions from 2 submitters: Uncertain significance (2). Last evaluated 2025-10-21.

Conditions:
Inborn genetic diseases. Identifiers: MedGen C0950123, MeSH D030342.

Allele frequency attached by ClinVar (database versions not stated): ExAC 0.00001; ESP Exome Variant Server 0.00008; gnomAD exomes 0.00005; gnomAD 0.00003; TOPMed 0.00003.
gnomAD v4.1: 84 of 1,613,986 alleles (0.0052%); highest among the groups gnomAD compares: Non-Finnish European, 0.0066%; no homozygotes.

Submissions (2):

Labcorp Genetics (formerly Invitae), Labcorp
Classification: Uncertain significance. Last evaluated: 2025-10-21. Review status: criteria provided, single submitter. Criteria: Invitae Variant Classification Sherloc (09022015). Collection method: clinical testing. Allele origin: germline.
Comment: This sequence change replaces glutamic acid, which is acidic and polar, with alanine, which is neutral and non-polar, at codon 917 of the FN1 protein (p.Glu917Ala). This variant is present in population databases (rs376886452, gnomAD 0.003%). This variant has not been reported in the literature in individuals affected with FN1-related conditions. ClinVar contains an entry for this variant (Variation ID: 2236480). An algorithm developed to predict the effect of missense changes on protein structure and function (PolyPhen-2) suggests that this variant is likely to be disruptive. In summary, the available evidence is currently insufficient to determine the role of this variant in disease. Therefore, it has been classified as a Variant of Uncertain Significance.

Ambry Genetics
Classification: Uncertain significance for Inborn genetic diseases. Last evaluated: 2021-07-13. Review status: criteria provided, single submitter. Criteria: Ambry Variant Classification Scheme 2023. Collection method: clinical testing. Allele origin: germline.